The following is an entry in ClinVar:

NM_018060.4(IARS2):c.2897-212C>T

Gene: IARS2 (isoleucyl-tRNA synthetase 2, mitochondrial; plus strand). Cytogenetic location: 1q41.
Variant type: single nucleotide variant.
Coding change: c.2897-212C>T on transcript NM_018060.4 (MANE Select); 212 bases into the intron before coding-DNA position 2897, C replaced by T.
Molecular consequence: intron variant.
Genome position (GRCh38, 1-based): chr1:220,147,281, C>T. VCF-style: chr1-220147281-C-T. GRCh37 (hg19) VCF-style: chr1-220320623-C-T.
Identifiers: ClinVar variation 668553 (VCV000668553.1), dbSNP rs116319760, ClinGen allele CA37534419.

ClinVar aggregate classification (germline): Likely benign (1 of 4 stars; one submission).

Allele frequency attached by ClinVar (database versions not stated): 1000 Genomes Project 30x 0.00375; 1000 Genomes Project 0.00399; TOPMed 0.00866; gnomAD 0.01123 and 0.01157.
gnomAD v4.1: 1,687 of 152,142 alleles (1.1%); highest among the groups gnomAD compares: Non-Finnish European, 1.6%; 17 homozygotes.

Submission:

GeneDx
Classification: Likely benign. Last evaluated: 2018-06-14. Review status: criteria provided, single submitter. Criteria: GeneDx Variant Classification (06012015). Collection method: clinical testing. Allele origin: germline. Affected: yes.
Comment: This variant is considered likely benign or benign based on one or more of the following criteria: it is a conservative change, it occurs at a poorly conserved position in the protein, it is predicted to be benign by multiple in silico algorithms, and/or has population frequency not consistent with disease.